The following is an entry in ClinVar:

ClinVar aggregate classification (germline): Uncertain significance (1 of 4 stars; one submission).

Allele frequency attached by ClinVar (database versions not stated): gnomAD exomes below 0.00001; TOPMed below 0.00001; gnomAD 0.00001.
gnomAD v4.1: 6 of 1,483,252 alleles (0.0004%); highest among the groups gnomAD compares: Admixed American, 0.014%; no homozygotes.

Submission:

Labcorp Genetics (formerly Invitae), Labcorp
Classification: Uncertain significance. Last evaluated: 2022-07-21. Review status: criteria provided, single submitter. Criteria: Invitae Variant Classification Sherloc (09022015). Collection method: clinical testing. Allele origin: germline.
Comment: This sequence change replaces serine, which is neutral and polar, with arginine, which is basic and polar, at codon 77 of the PAX1 protein (p.Ser77Arg). This variant is present in population databases (no rsID available, gnomAD 0.03%). This variant has not been reported in the literature in individuals affected with PAX1-related conditions. Algorithms developed to predict the effect of missense changes on protein structure and function (SIFT, PolyPhen-2, Align-GVGD) all suggest that this variant is likely to be tolerated. In summary, the available evidence is currently insufficient to determine the role of this variant in disease. Therefore, it has been classified as a Variant of Uncertain Significance.

NM_001257096.2(PAX1):c.229A>C (p.Ser77Arg)

Gene: PAX1 (paired box 1; plus strand). Cytogenetic location: 20p11.22.
Variant type: single nucleotide variant.
Coding change: c.229A>C on transcript NM_001257096.2 (MANE Select); coding-DNA position 229, A replaced by C.
Protein change: p.Ser77Arg; replaces serine 77 with arginine.
Molecular consequence: missense variant.
Genome position (GRCh38, 1-based): chr20:21,705,941, A>C. VCF-style: chr20-21705941-A-C. GRCh37 (hg19) VCF-style: chr20-21686579-A-C.
Other names: c.229A>C, p.Ser77Arg (NM_006192.5); short protein forms S77R.
Identifiers: ClinVar variation 1973609 (VCV001973609.2), dbSNP rs1204910755, ClinGen allele CA408497116.